The following is an entry in ClinVar:

ClinVar aggregate classification (germline): Pathogenic (1 of 4 stars; one submission).

Conditions:
Ehlers-Danlos syndrome, dermatosparaxis type. Also called: EDS VIIC; Dermatosparaxis; Ehlers-Danlos syndrome, type VII, autosomal recessive. Identifiers: Orphanet 1901, MedGen C2700425, MONDO:0009161, OMIM 225410.

Submission:

Myriad Genetics, Inc.
Classification: Pathogenic for Ehlers-Danlos syndrome, dermatosparaxis type. Last evaluated: 2024-05-14. Review status: criteria provided, single submitter. Criteria: Myriad Autosomal Dominant, Autosomal Recessive and X-Linked Classification Criteria (2023). Collection method: clinical testing. Allele origin: unknown.
Comment: NM_014244.4(ADAMTS2):c.317_318ins14(S107Cfs*3) is expected to be pathogenic in the context of Ehlers-Danlos syndrome, ADAMTS2-related. This variant is predicted to lead to an abnormal or absent protein product due to the creation of a premature termination codon in ADAMTS2, a gene where loss-of-function variants are known to be pathogenic. Please note: this variant was assessed in the context of healthy population screening.

NM_014244.5(ADAMTS2):c.317_318insATGTGTATAAGAGA (p.Gly106_Ser107insCysValTer)

Gene: ADAMTS2 (ADAM metallopeptidase with thrombospondin type 1 motif 2; minus strand). Cytogenetic location: 5q35.3.
Variant type: Insertion.
Coding change: c.317_318insATGTGTATAAGAGA on transcript NM_014244.5 (MANE Select); coding-DNA positions 317 to 318, ATGTGTATAAGAGA inserted.
Protein change: p.Gly106_Ser107insCysValTer.
Molecular consequence: nonsense.
Genome position: GRCh38 VCF-style: chr5-179343983-G-GTCTCTTATACACAT. GRCh37 (hg19) VCF-style: chr5-178770984-G-GTCTCTTATACACAT.
Other names: c.317_318insATGTGTATAAGAGA, p.Gly106_Ser107insCysValTer (NM_021599.4).
Identifiers: ClinVar variation 5010958 (VCV005010958.1).